The following is an entry in ClinVar:

ClinVar aggregate classification (germline): Uncertain significance. Review status: criteria provided, multiple submitters, no conflicts (2 of 4 stars). 2 submissions from 2 submitters: Uncertain significance (2). Last evaluated 2025-06-24.

Conditions:
Hereditary cancer-predisposing syndrome. Also called: Neoplastic Syndromes, Hereditary; Tumor predisposition; Hereditary neoplastic syndrome; Hereditary Cancer Syndrome. Identifiers: Orphanet 140162, MedGen C0027672, MeSH D009386, MONDO:0015356.

Allele frequency attached by ClinVar (database versions not stated): gnomAD exomes 0.00002.
gnomAD v4.1: 36 of 1,534,320 alleles (0.0023%); highest among the groups gnomAD compares: Non-Finnish European, 0.003%; no homozygotes.

Submissions (2):

Quest Diagnostics Nichols Institute San Juan Capistrano
Classification: Uncertain significance. Last evaluated: 2025-06-24. Review status: criteria provided, single submitter. Criteria: Quest Diagnostics criteria. Collection method: clinical testing. Allele origin: unknown.
Comment: The FH c.-2C>T variant has not been reported in individuals with FH-related conditions in the published literature. The frequency of this variant in the general population (Genome Aggregation Database) is uninformative in the assessment of its pathogenicity. Analysis of this variant using software algorithms for the prediction of the effect of nucleotide changes on splicing yielded predictions that this variant does not affect FH mRNA splicing. Based on the available information, we are unable to determine the clinical significance of this variant.

Ambry Genetics
Classification: Uncertain significance for Hereditary cancer-predisposing syndrome. Last evaluated: 2024-01-22. Review status: criteria provided, single submitter. Criteria: Ambry Variant Classification Scheme 2023. Collection method: clinical testing. Allele origin: germline.
Comment: The c.-2C>T variant is located in the 5' untranslated region (5&rsquo; UTR) of the FH gene. This variant results from a C to T substitution 2 bases upstream from the first translated codon. This nucleotide position is well conserved in available vertebrate species. Based on the available evidence, the clinical significance of this alteration remains unclear.

NM_000143.4(FH):c.-2C>T

Gene: FH (fumarate hydratase; minus strand). Cytogenetic location: 1q43.
Variant type: single nucleotide variant.
Coding change: c.-2C>T on transcript NM_000143.4 (MANE Select); 2 bases upstream of the start codon, C replaced by T.
Molecular consequence: 5 prime UTR variant.
Genome position (GRCh38, 1-based): chr1:241,519,724, G>A on the plus strand (C>T on the coding strand, the complement: FH is on the minus strand). VCF-style: chr1-241519724-G-A. GRCh37 (hg19) VCF-style: chr1-241683024-G-A.
Identifiers: ClinVar variation 3230446 (VCV003230446.2), dbSNP rs1246116864, ClinGen allele CA1014017860.